The following is an entry in ClinVar:

NM_002458.3(MUC5B):c.13737C>G (p.Ala4579=)

Gene: MUC5B (mucin 5B, oligomeric mucus/gel-forming; plus strand). Cytogenetic location: 11p15.5.
Variant type: single nucleotide variant.
Coding change: c.13737C>G on transcript NM_002458.3 (MANE Select); coding-DNA position 13737, C replaced by G.
Protein change: p.Ala4579=; no amino-acid change (alanine 4579 retained).
Molecular consequence: synonymous variant.
Genome position (GRCh38, 1-based): chr11:1,250,617, C>G. VCF-style: chr11-1250617-C-G. GRCh37 (hg19) VCF-style: chr11-1271847-C-G.
Identifiers: ClinVar variation 2641301 (VCV002641301.24), dbSNP rs76174982, ClinGen allele CA5808407.

ClinVar aggregate classification (germline): Likely benign (1 of 4 stars; one submission).

Allele frequency attached by ClinVar (database versions not stated): ExAC 0.00165; gnomAD 0.00239; TOPMed 0.00269; gnomAD exomes 0.00400; ESP Exome Variant Server 0.00422; 1000 Genomes Project 30x 0.00094; 1000 Genomes Project 0.00100.
gnomAD v4.1: 6,242 of 1,612,966 alleles (0.39%); highest among the groups gnomAD compares: Non-Finnish European, 0.49%; 19 homozygotes.

Submission:

CeGaT Center for Human Genetics Tuebingen
Classification: Likely benign. Last evaluated: 2026-07-01. Review status: criteria provided, single submitter. Criteria: CeGaT Center For Human Genetics Tuebingen Variant Classification Criteria Version 2. Collection method: clinical testing. Allele origin: germline. Affected: yes. Observed: 3 variant alleles.
Comment: MUC5B: BP4, BP7, BS2